The following is an entry in ClinVar:

ClinVar aggregate classification (germline): Uncertain significance (1 of 4 stars; one submission).

gnomAD v4.1: 16 of 1,596,104 alleles (0.001%); highest among the groups gnomAD compares: Non-Finnish European, 0.0014%; no homozygotes.

Submission:

Labcorp Genetics (formerly Invitae), Labcorp
Classification: Uncertain significance. Last evaluated: 2024-05-24. Review status: criteria provided, single submitter. Criteria: Invitae Variant Classification Sherloc (09022015). Collection method: clinical testing. Allele origin: germline.
Comment: This sequence change replaces serine, which is neutral and polar, with leucine, which is neutral and non-polar, at codon 179 of the SLC34A3 protein (p.Ser179Leu). This variant is not present in population databases (gnomAD no frequency). This variant has not been reported in the literature in individuals affected with SLC34A3-related conditions. Advanced modeling of protein sequence and biophysical properties (such as structural, functional, and spatial information, amino acid conservation, physicochemical variation, residue mobility, and thermodynamic stability) performed at Invitae indicates that this missense variant is not expected to disrupt SLC34A3 protein function with a negative predictive value of 80%. In summary, the available evidence is currently insufficient to determine the role of this variant in disease. Therefore, it has been classified as a Variant of Uncertain Significance.

NM_001177316.2(SLC34A3):c.536C>T (p.Ser179Leu)

Gene: SLC34A3 (solute carrier family 34 member 3; plus strand). Cytogenetic location: 9q34.3.
Variant type: single nucleotide variant.
Coding change: c.536C>T on transcript NM_001177316.2 (MANE Select); coding-DNA position 536, C replaced by T.
Protein change: p.Ser179Leu; replaces serine 179 with leucine.
Molecular consequence: missense variant.
Genome position (GRCh38, 1-based): chr9:137,233,091, C>T. VCF-style: chr9-137233091-C-T. GRCh37 (hg19) VCF-style: chr9-140127543-C-T.
Other names: c.536C>T, p.Ser179Leu (NM_001177317.2, NM_080877.3); short protein forms S179L.
Identifiers: ClinVar variation 3615655 (VCV003615655.2).